The following is an entry in ClinVar:

ClinVar aggregate classification (germline): Conflicting classifications of pathogenicity. Review status: criteria provided, conflicting classifications (1 of 4 stars). 4 submissions from 4 submitters: Uncertain significance (3); Likely benign (1). Last evaluated 2024-01-30.

Conditions:
Dyskeratosis congenita. Identifiers: Orphanet 1775, MedGen C0265965, MONDO:0015780.
Inborn genetic diseases. Identifiers: MedGen C0950123, MeSH D030342.
Cerebroretinal microangiopathy with calcifications and cysts 1 (CRMCC1). Identifiers: Orphanet 313838, MedGen C4552029, MONDO:0024564, OMIM 612199.

Allele frequency attached by ClinVar (database versions not stated): gnomAD 0.00007 and 0.00008; TOPMed 0.00012; ExAC 0.00002; gnomAD exomes 0.00003 and 0.00006.
gnomAD v4.1: 96 of 1,613,900 alleles (0.0059%); highest among the groups gnomAD compares: Admixed American, 0.02%; no homozygotes.

Submissions (4):

Labcorp Genetics (formerly Invitae), Labcorp
Classification: Uncertain significance for Dyskeratosis congenita. Last evaluated: 2024-01-30. Review status: criteria provided, single submitter. Criteria: Invitae Variant Classification Sherloc (09022015). Collection method: clinical testing. Allele origin: germline.
Comment: This sequence change replaces arginine, which is basic and polar, with glutamine, which is neutral and polar, at codon 1202 of the CTC1 protein (p.Arg1202Gln). This variant is present in population databases (rs778830884, gnomAD 0.007%). This variant has not been reported in the literature in individuals affected with CTC1-related conditions. ClinVar contains an entry for this variant (Variation ID: 434856). Algorithms developed to predict the effect of missense changes on protein structure and function output the following: SIFT: "Not Available"; PolyPhen-2: "Benign"; Align-GVGD: "Not Available". The glutamine amino acid residue is found in multiple mammalian species, which suggests that this missense change does not adversely affect protein function. In summary, the available evidence is currently insufficient to determine the role of this variant in disease. Therefore, it has been classified as a Variant of Uncertain Significance.

Ambry Genetics
Classification: Likely benign for Inborn genetic diseases. Last evaluated: 2023-12-14. Review status: criteria provided, single submitter. Criteria: Ambry Variant Classification Scheme 2023. Collection method: clinical testing. Allele origin: germline.

Genome-Nilou Lab
Classification: Uncertain significance for Cerebroretinal microangiopathy with calcifications and cysts 1. Last evaluated: 2021-07-15. Review status: criteria provided, single submitter. Criteria: ACMG Guidelines, 2015. Collection method: clinical testing. Allele origin: germline. Affected: no.

Genetic Services Laboratory, University of Chicago
Classification: Uncertain significance. Last evaluated: 2017-06-19. Review status: criteria provided, single submitter. Criteria: ACMG Guidelines, 2015. Collection method: clinical testing. Allele origin: germline. Affected: no.

NM_025099.6(CTC1):c.3605G>A (p.Arg1202Gln)

Gene: CTC1 (CST telomere replication complex component 1; minus strand). Cytogenetic location: 17p13.1.
Variant type: single nucleotide variant.
Coding change: c.3605G>A on transcript NM_025099.6 (MANE Select); coding-DNA position 3605, G replaced by A.
Protein change: p.Arg1202Gln; replaces arginine 1202 with glutamine.
Molecular consequence: missense variant. On other transcripts: non-coding transcript variant (1).
Genome position (GRCh38, 1-based): chr17:8,228,229, C>T on the plus strand (G>A on the coding strand, the complement: CTC1 is on the minus strand). VCF-style: chr17-8228229-C-T. GRCh37 (hg19) VCF-style: chr17-8131547-C-T.
Other names: short protein forms R1202Q.
Identifiers: ClinVar variation 434856 (VCV000434856.15), dbSNP rs778830884, ClinGen allele CA8371698.